The following is an entry in ClinVar:

ClinVar aggregate classification (germline): Conflicting classifications of pathogenicity. Review status: criteria provided, conflicting classifications (1 of 4 stars). 9 submissions from 9 submitters: Uncertain significance (2); Benign (1); Likely benign (5). 1 of the submissions does not count toward it. Last evaluated 2025-10-07.

Conditions:
Juvenile polyposis syndrome (JPS). Identifiers: Orphanet 2929, MedGen C0345893, MONDO:0017380, OMIM 174900.
Polyposis syndrome, hereditary mixed, 2. Identifiers: Orphanet 157794, MedGen C1864730, MONDO:0012405, OMIM 610069.
Hereditary cancer-predisposing syndrome. Also called: Tumor predisposition; Hereditary neoplastic syndrome; Hereditary Cancer Syndrome; Neoplastic Syndromes, Hereditary. Identifiers: Orphanet 140162, MedGen C0027672, MeSH D009386, MONDO:0015356.

Allele frequency attached by ClinVar (database versions not stated): gnomAD exomes below 0.00001 and 0.00001; TOPMed 0.00001.
gnomAD v4.1: 1 of 1,613,242 alleles (0.000062%); highest among the groups gnomAD compares: Admixed American, 0.0017%; no homozygotes.

Submissions (9):

Labcorp Genetics (formerly Invitae), Labcorp
Classification: Likely benign for Juvenile polyposis syndrome. Last evaluated: 2025-10-07. Review status: criteria provided, single submitter. Criteria: Invitae Variant Classification Sherloc (09022015). Collection method: clinical testing. Allele origin: germline.

CeGaT Center for Human Genetics Tuebingen
Classification: Likely benign. Last evaluated: 2025-07-01. Review status: criteria provided, single submitter. Criteria: CeGaT Center For Human Genetics Tuebingen Variant Classification Criteria Version 2. Collection method: clinical testing. Allele origin: germline. Affected: yes. Observed: 1 variant allele.
Comment: BMPR1A: BP4, BP7

Myriad Genetics, Inc.
Classification: Benign for Juvenile polyposis syndrome. Last evaluated: 2023-03-02. Review status: criteria provided, single submitter. Criteria: Myriad Autosomal Dominant, Autosomal Recessive and X-Linked Classification Criteria (2023). Collection method: clinical testing. Allele origin: unknown.
Comment: This variant is considered benign. This variant is a silent/synonymous amino acid change and it is not expected to impact splicing.

Department of Pathology and Laboratory Medicine, Sinai Health System
Classification: Uncertain significance for Polyposis syndrome, hereditary mixed, 2; Juvenile polyposis syndrome. Last evaluated: 2021-11-02. Review status: criteria provided, single submitter. Criteria: ACMG Guidelines, 2015. Collection method: clinical testing. Allele origin: germline. Affected: yes.

Women's Health and Genetics/Laboratory Corporation of America, LabCorp
Classification: Uncertain significance. Last evaluated: 2019-08-21. Review status: criteria provided, single submitter. Criteria: LabCorp Variant Classification Summary - May 2015. Collection method: clinical testing. Allele origin: germline.
Comment: Variant summary: BMPR1A c.1059A>G alters a conserved nucleotide resulting in a synonymous change. Several computational tools via ALAMUT predict a significant impact on normal splicing: Two predict the variant creates a cryptic exonic 3' acceptor site. Two predict the variant to have no significant impact on splicing. Another in-silico tool for assessing the pathogenicity of synonymous variants, namely TraP (Transcript-inferred Pathogenicity, Gelfman_2017) predicts this variant to be possibly pathogenic. However, these predictions have yet to be confirmed by functional studies. The variant allele was found at a frequency of 8e-06 in 250796 control chromosomes. The available data on variant occurrences in the general population are insufficient to allow any conclusion about variant significance. To our knowledge, no occurrence of c.1059A>G in individuals affected with Juvenile Polyposis Syndrome and no experimental evidence demonstrating its impact on protein function have been reported. Four clinical diagnostic laboratories have submitted clinical-significance assessments for this variant to ClinVar after 2014 without evidence for independent evaluation (three as likely benign and one as uncertain significance). Based on the evidence outlined above, the variant was classified as VUS-possibly benign.

Color Diagnostics, LLC DBA Color Health
Classification: Likely benign for Hereditary cancer-predisposing syndrome. Last evaluated: 2019-03-19. Review status: criteria provided, single submitter. Criteria: ACMG Guidelines, 2015. Collection method: clinical testing. Allele origin: germline.

GeneDx
Classification: Likely benign. Last evaluated: 2017-12-19. Review status: criteria provided, single submitter. Criteria: GeneDx Variant Classification (06012015). Collection method: clinical testing. Allele origin: germline. Affected: yes.
Comment: This variant is considered likely benign or benign based on one or more of the following criteria: it is a conservative change, it occurs at a poorly conserved position in the protein, it is predicted to be benign by multiple in silico algorithms, and/or has population frequency not consistent with disease.

Ambry Genetics
Classification: Likely benign for Hereditary cancer-predisposing syndrome. Last evaluated: 2016-04-27. Review status: criteria provided, single submitter. Criteria: Ambry Variant Classification Scheme 2023. Collection method: clinical testing. Allele origin: germline.

Counsyl
Classification: Likely benign for Juvenile polyposis syndrome. Last evaluated: 2018-05-08. Review status: no assertion criteria provided. Collection method: clinical testing. Allele origin: unknown. Not counted in ClinVar's aggregate classification.

NM_004329.3(BMPR1A):c.1059A>G (p.Gln353=)

Gene: BMPR1A (bone morphogenetic protein receptor type 1A; plus strand). Cytogenetic location: 10q23.2.
Variant type: single nucleotide variant.
Coding change: c.1059A>G on transcript NM_004329.3 (MANE Select); coding-DNA position 1059, A replaced by G.
Protein change: p.Gln353=; no amino-acid change (glutamine 353 retained).
Molecular consequence: synonymous variant.
Genome position (GRCh38, 1-based): chr10:86,919,362, A>G. VCF-style: chr10-86919362-A-G. GRCh37 (hg19) VCF-style: chr10-88679119-A-G.
Identifiers: ClinVar variation 411640 (VCV000411640.29), dbSNP rs1060503407, ClinGen allele CA16613135.